The following is an entry in ClinVar:

ClinVar aggregate classification (germline): Likely benign. Review status: criteria provided, single submitter (1 of 4 stars). 2 submissions from 2 submitters: Likely benign (1). 1 of the submissions does not count toward it. Last evaluated 2016-05-13.

Conditions:
CASQ2-related disorder. Also called: CASQ2-related condition.
Catecholaminergic polymorphic ventricular tachycardia 1. Also called: VENTRICULAR TACHYCARDIA, STRESS-INDUCED POLYMORPHIC 1; RYR2-Related Catecholaminergic Polymorphic Ventricular Tachycardia; VENTRICULAR TACHYCARDIA, CATECHOLAMINERGIC POLYMORPHIC, 1, WITH OR WITHOUT ATRIAL DYSFUNCTION AND/OR DILATED CARDIOMYOPATHY. Identifiers: Orphanet 3286, MedGen C1631597, MONDO:0011484, OMIM 604772.

Submissions (2):

Labcorp Genetics (formerly Invitae), Labcorp
Classification: Likely benign for Catecholaminergic polymorphic ventricular tachycardia 1. Last evaluated: 2016-05-13. Review status: criteria provided, single submitter. Criteria: Invitae Variant Classification Sherloc (09022015). Collection method: clinical testing. Allele origin: germline.

PreventionGenetics, part of Exact Sciences
Classification: Likely benign for CASQ2-related condition. Last evaluated: 2023-08-17. Review status: no assertion criteria provided. Collection method: clinical testing. Allele origin: germline. Not counted in ClinVar's aggregate classification.
Comment: This variant is classified as likely benign based on ACMG/AMP sequence variant interpretation guidelines (Richards et al. 2015 PMID: 25741868, with internal and published modifications).

NM_001232.4(CASQ2):c.606+7A>T

Gene: CASQ2 (calsequestrin 2; minus strand). Cytogenetic location: 1p13.1.
Variant type: single nucleotide variant.
Coding change: c.606+7A>T on transcript NM_001232.4 (MANE Select); 7 bases into the intron after coding-DNA position 606, A replaced by T.
Molecular consequence: intron variant.
Genome position (GRCh38, 1-based): chr1:115,732,894, T>A on the plus strand (A>T on the coding strand, the complement: CASQ2 is on the minus strand). VCF-style: chr1-115732894-T-A. GRCh37 (hg19) VCF-style: chr1-116275515-T-A.
Identifiers: ClinVar variation 415254 (VCV000415254.15), dbSNP rs1060504495, ClinGen allele CA16609861.